The following is an entry in ClinVar:

ClinVar aggregate classification (germline): Benign/Likely benign. Review status: criteria provided, multiple submitters, no conflicts (2 of 4 stars). 6 submissions from 6 submitters: Benign (1); Likely benign (5). Last evaluated 2025-12-10.

Conditions:
Familial thoracic aortic aneurysm and aortic dissection (TAAD). Also called: Thoracic aortic aneurysms and dissections. Identifiers: Orphanet 91387, MedGen C4707243, MONDO:0019625.
Marfan syndrome (MFS). Also called: Marfan syndrome, classic; Marfan syndrome type 1; Marfan's syndrome; MARFAN SYNDROME, TYPE I; FBN1-Related Marfan Syndrome. Identifiers: Orphanet 284963, Orphanet 558, MedGen C0024796, MONDO:0007947, OMIM 154700.
FBN1-related disorder. Also called: FBN1-related disorders.

Allele frequency attached by ClinVar (database versions not stated): gnomAD exomes 0.00006 and 0.00003; ExAC 0.00006; ESP Exome Variant Server 0.00015; 1000 Genomes Project 0.00060; 1000 Genomes Project 30x 0.00078; gnomAD 0.00024 and 0.00025; TOPMed 0.00025.
gnomAD v4.1: 82 of 1,614,116 alleles (0.0051%); highest among the groups gnomAD compares: African/African-American, 0.087%; no homozygotes.

Submissions (6):

Labcorp Genetics (formerly Invitae), Labcorp
Classification: Likely benign for Marfan syndrome; Familial thoracic aortic aneurysm and aortic dissection. Last evaluated: 2025-12-10. Review status: criteria provided, single submitter. Criteria: Invitae Variant Classification Sherloc (09022015). Collection method: clinical testing. Allele origin: germline.

PreventionGenetics, part of Exact Sciences
Classification: Likely benign for FBN1-related condition. Last evaluated: 2024-11-09. Review status: criteria provided, single submitter. Criteria: ACMG Guidelines, 2015. Collection method: clinical testing. Allele origin: germline.
Comment: This variant is classified as likely benign based on ACMG/AMP sequence variant interpretation guidelines (Richards et al. 2015 PMID: 25741868, with internal and published modifications).

All of Us Research Program, National Institutes of Health
Classification: Likely benign for Marfan syndrome. Last evaluated: 2023-12-13. Review status: criteria provided, single submitter. Criteria: ACMG Guidelines, 2015. Collection method: clinical testing. Allele origin: germline. Inheritance: Autosomal dominant inheritance. Observed: 11 variant alleles, 11 heterozygotes.
Comment: This study involves interpretation of variants in research participants for the purpose of population health screening. Participant phenotype was not available at the time of variant classification. Additional details can be found in publication PMID: 35346344, PMCID: PMC8962531

Ambry Genetics
Classification: Likely benign for Familial thoracic aortic aneurysm and aortic dissection. Last evaluated: 2022-04-11. Review status: criteria provided, single submitter. Criteria: Ambry Variant Classification Scheme 2023. Collection method: clinical testing. Allele origin: germline.

Color Diagnostics, LLC DBA Color Health
Classification: Likely benign for Familial thoracic aortic aneurysm and aortic dissection. Last evaluated: 2019-01-20. Review status: criteria provided, single submitter. Criteria: ACMG Guidelines, 2015. Collection method: clinical testing. Allele origin: germline.

GeneDx
Classification: Benign. Last evaluated: 2016-07-08. Review status: criteria provided, single submitter. Criteria: GeneDx Variant Classification (06012015). Collection method: clinical testing. Allele origin: germline. Affected: yes.
Comment: This variant is considered likely benign or benign based on one or more of the following criteria: it is a conservative change, it occurs at a poorly conserved position in the protein, it is predicted to be benign by multiple in silico algorithms, and/or has population frequency not consistent with disease.

NM_000138.5(FBN1):c.8445C>T (p.Leu2815=)

Gene: FBN1 (fibrillin 1; minus strand). Cytogenetic location: 15q21.1.
Variant type: single nucleotide variant.
Coding change: c.8445C>T on transcript NM_000138.5 (MANE Select); coding-DNA position 8445, C replaced by T.
Protein change: p.Leu2815=; no amino-acid change (leucine 2815 retained).
Molecular consequence: synonymous variant.
Genome position (GRCh38, 1-based): chr15:48,411,161, G>A on the plus strand (C>T on the coding strand, the complement: FBN1 is on the minus strand). VCF-style: chr15-48411161-G-A. GRCh37 (hg19) VCF-style: chr15-48703358-G-A.
Identifiers: ClinVar variation 377864 (VCV000377864.16), dbSNP rs142304692, ClinGen allele CA060023.